The following is an entry in ClinVar:

ClinVar aggregate classification (germline): Uncertain significance (1 of 4 stars; one submission).

Conditions:
Dextro-looped transposition of the great arteries. Also called: Dextrotransposition of the great arteries. Identifiers: Orphanet 860, MedGen C3531771, MONDO:0019443, OMIM 608808, HP:0031348.

Submission:

Labcorp Genetics (formerly Invitae), Labcorp
Classification: Uncertain significance for Dextro-looped transposition of the great arteries. Last evaluated: 2024-03-01. Review status: criteria provided, single submitter. Criteria: Invitae Variant Classification Sherloc (09022015). Collection method: clinical testing. Allele origin: germline.
Comment: This sequence change replaces glycine, which is neutral and non-polar, with arginine, which is basic and polar, at codon 1063 of the MED13L protein (p.Gly1063Arg). This variant is not present in population databases (gnomAD no frequency). This variant has not been reported in the literature in individuals affected with MED13L-related conditions. Advanced modeling of protein sequence and biophysical properties (such as structural, functional, and spatial information, amino acid conservation, physicochemical variation, residue mobility, and thermodynamic stability) has been performed at Invitae for this missense variant, however the output from this modeling did not meet the statistical confidence thresholds required to predict the impact of this variant on MED13L protein function. Algorithms developed to predict the effect of sequence changes on RNA splicing suggest that this variant may create or strengthen a splice site. In summary, the available evidence is currently insufficient to determine the role of this variant in disease. Therefore, it has been classified as a Variant of Uncertain Significance.

NM_015335.5(MED13L):c.3187G>A (p.Gly1063Arg)

Gene: MED13L (mediator complex subunit 13L; minus strand). Cytogenetic location: 12q24.21.
Variant type: single nucleotide variant.
Coding change: c.3187G>A on transcript NM_015335.5 (MANE Select); coding-DNA position 3187, G replaced by A.
Protein change: p.Gly1063Arg; replaces glycine 1063 with arginine.
Molecular consequence: missense variant.
Genome position (GRCh38, 1-based): chr12:115,991,767, C>T on the plus strand (G>A on the coding strand, the complement: MED13L is on the minus strand). VCF-style: chr12-115991767-C-T. GRCh37 (hg19) VCF-style: chr12-116429572-C-T.
Other names: short protein forms G1063R.
Identifiers: ClinVar variation 3689273 (VCV003689273.2).